The following is an entry in ClinVar:

ClinVar aggregate classification (germline): Likely pathogenic (1 of 4 stars; one submission).

Conditions:
Dias-Logan syndrome. Also called: INTELLECTUAL DEVELOPMENTAL DISORDER WITH HEREDITARY PERSISTENCE OF FETAL HEMOGLOBIN; Intellectual developmental disorder with persistence of fetal hemoglobin. Identifiers: Orphanet 619233, MedGen C4310833, MONDO:0014914, OMIM 617101.

Submission:

Greenwood Genetic Center Diagnostic Laboratories, Greenwood Genetic Center
Classification: Likely pathogenic for Dias-Logan syndrome. Last evaluated: 2023-05-24. Review status: criteria provided, single submitter. Criteria: ACMG Guidelines, 2015. Collection method: clinical testing. Allele origin: germline. Affected: yes.
Comment: PS2, PM2

NM_022893.4(BCL11A):c.176A>T (p.Asp59Val)

Gene: BCL11A (BCL11 transcription factor A; minus strand). Cytogenetic location: 2p16.1.
Variant type: single nucleotide variant.
Coding change: c.176A>T on transcript NM_022893.4 (MANE Select); coding-DNA position 176, A replaced by T.
Protein change: p.Asp59Val; replaces aspartic acid 59 with valine.
Molecular consequence: missense variant. On other transcripts: 5 prime UTR variant (7).
Genome position (GRCh38, 1-based): chr2:60,546,180, T>A on the plus strand (A>T on the coding strand, the complement: BCL11A is on the minus strand). VCF-style: chr2-60546180-T-A. GRCh37 (hg19) VCF-style: chr2-60773315-T-A.
Other names: c.176A>T, p.Asp59Val (NM_001363864.1, NM_001365609.1, NM_001405708.1 and 10 more transcripts); c.20A>T, p.Asp7Val (NM_001405713.1, NM_001405714.1, NM_001405715.1 and 10 more transcripts); c.-500A>T (NM_001405731.1, NM_001405725.1, NM_001405726.1); c.-250A>T (NM_001405720.1, NM_001405721.1); c.-357A>T (NM_001405727.1, NM_001405728.1); short protein forms D59V, D7V.
Identifiers: ClinVar variation 2572238 (VCV002572238.1), dbSNP rs2467282457, ClinGen allele CA347040943.
Genomic context (GRCh38, chr2:60,546,180, plus strand): 5'-TTTTCTAAGCAGAGGCTGCCATTGCATTGTTTCCGTTTGTGCTCGATAAAAATAAGAATG[T>A]CCCCCAATGGGAAGTTCATCTGGCACTGCCCACAGGTGAGGAGGTCATGATCCCCTTCTG-3'
Protein context (NP_075044.2, residues 49-69): GQCQMNFPLG[Asp59Val]ILIFIEHKRK